The following is an entry in ClinVar:

ClinVar aggregate classification (germline): Pathogenic. Review status: criteria provided, multiple submitters, no conflicts (2 of 4 stars). 2 submissions from 2 submitters: Pathogenic (2). Last evaluated 2024-06-07.

Conditions:
Mucopolysaccharidosis, MPS-II (MPS2). Also called: IDS deficiency; Sulfoiduronate sulfatase deficiency; SIDS deficiency; Attenuated MPS (subtype; formerly known as mild MPS II); Severe MPS II; I2S deficiency. Identifiers: Orphanet 580, Orphanet 79388, MedGen C0026705, MONDO:0010674, OMIM 309900.

Submissions (2):

Laboratory of Diagnosis and Therapy of Lysosomal Disorders, University of Padova
Classification: Pathogenic for Mucopolysaccharidosis, MPS-II. Last evaluated: 2024-06-07. Review status: criteria provided, single submitter. Criteria: ACMG Guidelines, 2015. Collection method: literature only. Allele origin: germline. Affected: yes. Observed: 10 variant alleles.
Comment: Null variant (PVS1_VeryStrong), Prevalence of the variant significantly increased in affected individuals compared with controls (PS4_Moderate), Absent from controls (or at low frequency) in gnomAD database (PM2_Moderate), Patient’s phenotype or family history highly specific for the disease (PP4_Moderate)

Classification method: ACMG Guidelines [PMID:25741868] with modifications

Labcorp Genetics (formerly Invitae), Labcorp
Classification: Pathogenic for Mucopolysaccharidosis, MPS-II. Last evaluated: 2022-02-24. Review status: criteria provided, single submitter. Criteria: Invitae Variant Classification Sherloc (09022015). Collection method: clinical testing. Allele origin: germline.
Comment: For these reasons, this variant has been classified as Pathogenic. ClinVar contains an entry for this variant (Variation ID: 945437). This premature translational stop signal has been observed in individuals with mucopolysaccharidosis type II (MPS II) (PMID: 9875019, 20104590). This variant is not present in population databases (gnomAD no frequency). This sequence change creates a premature translational stop signal (p.Arg8*) in the IDS gene. It is expected to result in an absent or disrupted protein product. Loss-of-function variants in IDS are known to be pathogenic (PMID: 8940265, 9875019).

Literature cited by the submitters: PubMed 24125893 (cited by Laboratory of Diagnosis and Therapy of Lysosomal Disorders, University of Padova); PubMed 11462244 (cited by Laboratory of Diagnosis and Therapy of Lysosomal Disorders, University of Padova); PubMed 33960103 (cited by Laboratory of Diagnosis and Therapy of Lysosomal Disorders, University of Padova); PubMed 27246110 (cited by Laboratory of Diagnosis and Therapy of Lysosomal Disorders, University of Padova); PubMed 20104590 (cited by Laboratory of Diagnosis and Therapy of Lysosomal Disorders, University of Padova and Labcorp Genetics (formerly Invitae), Labcorp); PubMed 9875019 (cited by Laboratory of Diagnosis and Therapy of Lysosomal Disorders, University of Padova and Labcorp Genetics (formerly Invitae), Labcorp); PubMed 36713083 (cited by Laboratory of Diagnosis and Therapy of Lysosomal Disorders, University of Padova); PubMed 8940265 (cited by Labcorp Genetics (formerly Invitae), Labcorp).

NM_000202.8(IDS):c.22C>T (p.Arg8Ter)

Genes: IDS (iduronate 2-sulfatase; minus strand), LOC130068781 (ATAC-STARR-seq lymphoblastoid active region 30015; plus strand). Cytogenetic location: Xq28.
Variant type: single nucleotide variant.
Coding change: c.22C>T on transcript NM_000202.8 (MANE Select); coding-DNA position 22, C replaced by T.
Protein change: p.Arg8Ter; replaces arginine 8 with a stop codon.
Molecular consequence: nonsense. On other transcripts: 5 prime UTR variant (1), non-coding transcript variant (1).
Genome position (GRCh38, 1-based): chrX:149,505,116, G>A on the plus strand (C>T on the coding strand, the complement: IDS is on the minus strand). VCF-style: chrX-149505116-G-A. GRCh37 (hg19) VCF-style: chrX-148586646-G-A.
Other names: c.-205C>T (NM_001166550.4); c.22C>T, p.Arg8Ter (NM_006123.5); short protein forms R8*.
Identifiers: ClinVar variation 945437 (VCV000945437.12), dbSNP rs1602750610, ClinGen allele CA414528693.